The following is an entry in ClinVar:

NM_001854.4(COL11A1):c.2058G>C (p.Glu686Asp)

Gene: COL11A1 (collagen type XI alpha 1 chain; minus strand). Cytogenetic location: 1p21.1.
Variant type: single nucleotide variant.
Coding change: c.2058G>C on transcript NM_001854.4 (MANE Select); coding-DNA position 2058, G replaced by C.
Protein change: p.Glu686Asp; replaces glutamic acid 686 with aspartic acid.
Molecular consequence: missense variant. On other transcripts: non-coding transcript variant (1).
Genome position (GRCh38, 1-based): chr1:103,002,467, C>G on the plus strand (G>C on the coding strand, the complement: COL11A1 is on the minus strand). VCF-style: chr1-103002467-C-G. GRCh37 (hg19) VCF-style: chr1-103468023-C-G.
Other names: c.1941G>C, p.Glu647Asp (NM_001190709.2); c.2094G>C, p.Glu698Asp (NM_080629.3); c.1710G>C, p.Glu570Asp (NM_080630.4); short protein forms E570D, E647D, E686D, E698D.
Identifiers: ClinVar variation 3602275 (VCV003602275.1).

ClinVar aggregate classification (germline): Uncertain significance (1 of 4 stars; one submission).

Submission:

GeneDx
Classification: Uncertain significance. Last evaluated: 2024-08-02. Review status: criteria provided, single submitter. Criteria: GeneDx Variant Classification Process June 2021. Collection method: clinical testing. Allele origin: germline. Affected: yes.
Comment: Not observed at significant frequency in large population cohorts (gnomAD); In silico analysis supports that this missense variant has a deleterious effect on protein structure/function; Has not been previously published as pathogenic or benign to our knowledge